The following is an entry in ClinVar:

ClinVar aggregate classification (germline): Uncertain significance (1 of 4 stars; one submission).

Submission:

CeGaT Center for Human Genetics Tuebingen
Classification: Uncertain significance. Last evaluated: 2022-05-01. Review status: criteria provided, single submitter. Criteria: CeGaT Center For Human Genetics Tuebingen Variant Classification Criteria Version 2. Collection method: clinical testing. Allele origin: germline. Affected: yes. Observed: 1 variant allele.
Comment: LBX1: PM2, PP3

NM_006562.5(LBX1):c.320C>T (p.Ala107Val)

Gene: LBX1 (ladybird homeobox 1; minus strand). Cytogenetic location: 10q24.32.
Variant type: single nucleotide variant.
Coding change: c.320C>T on transcript NM_006562.5 (MANE Select); coding-DNA position 320, C replaced by T.
Protein change: p.Ala107Val; replaces alanine 107 with valine.
Molecular consequence: missense variant.
Genome position (GRCh38, 1-based): chr10:101,228,496, G>A on the plus strand (C>T on the coding strand, the complement: LBX1 is on the minus strand). VCF-style: chr10-101228496-G-A. GRCh37 (hg19) VCF-style: chr10-102988253-G-A.
Other names: short protein forms A107V.
Identifiers: ClinVar variation 2640769 (VCV002640769.24), dbSNP rs1399756423, ClinGen allele CA378261496.